The following is an entry in ClinVar:

ClinVar aggregate classification (germline): Likely benign. Review status: criteria provided, multiple submitters, no conflicts (2 of 4 stars). 3 submissions from 3 submitters: Likely benign (3). Last evaluated 2025-09-23.

Conditions:
Charcot-Marie-Tooth disease type 2. Also called: Charcot-Marie-Tooth type 2. Identifiers: Orphanet 64746, MedGen C0270914, MONDO:0018993.

Allele frequency attached by ClinVar (database versions not stated): ExAC 0.00001; gnomAD 0.00002 and 0.00003; TOPMed 0.00002.

Submissions (3):

Labcorp Genetics (formerly Invitae), Labcorp
Classification: Likely benign for Charcot-Marie-Tooth disease type 2. Last evaluated: 2025-09-23. Review status: criteria provided, single submitter. Criteria: Invitae Variant Classification Sherloc (09022015). Collection method: clinical testing. Allele origin: germline.

Blueprint Genetics
Classification: Likely benign. Last evaluated: 2024-10-14. Review status: criteria provided, single submitter. Criteria: ACMG Guidelines, 2015. Collection method: clinical testing. Allele origin: germline.

CeGaT Center for Human Genetics Tuebingen
Classification: Likely benign. Last evaluated: 2022-05-01. Review status: criteria provided, single submitter. Criteria: CeGaT Center For Human Genetics Tuebingen Variant Classification Criteria Version 2. Collection method: clinical testing. Allele origin: germline. Affected: yes. Observed: 1 variant allele.
Comment: MED25: BP4, BP7

NM_030973.4(MED25):c.678C>T (p.Leu226=)

Gene: MED25 (mediator complex subunit 25; plus strand). Cytogenetic location: 19q13.33.
Variant type: single nucleotide variant.
Coding change: c.678C>T on transcript NM_030973.4 (MANE Select); coding-DNA position 678, C replaced by T.
Protein change: p.Leu226=; no amino-acid change (leucine 226 retained).
Molecular consequence: synonymous variant.
Genome position (GRCh38, 1-based): chr19:49,829,938, C>T. VCF-style: chr19-49829938-C-T. GRCh37 (hg19) VCF-style: chr19-50333195-C-T.
Other names: c.678C>T, p.Leu226= (NM_001378355.1).
Identifiers: ClinVar variation 701259 (VCV000701259.32), dbSNP rs770604129, ClinGen allele CA9584953.